The following is an entry in ClinVar:

NM_001042492.3(NF1):c.2960G>A (p.Ser987Asn)

Gene: NF1 (neurofibromin 1; plus strand). Cytogenetic location: 17q11.2.
Variant type: single nucleotide variant.
Coding change: c.2960G>A on transcript NM_001042492.3 (MANE Select); coding-DNA position 2960, G replaced by A.
Protein change: p.Ser987Asn; replaces serine 987 with asparagine.
Molecular consequence: missense variant.
Genome position (GRCh38, 1-based): chr17:31,229,944, G>A. VCF-style: chr17-31229944-G-A. GRCh37 (hg19) VCF-style: chr17-29556962-G-A.
Other names: c.2960G>A, p.Ser987Asn (NM_000267.4); short protein forms S987N.
Identifiers: ClinVar variation 404537 (VCV000404537.5), dbSNP rs1060500329, ClinGen allele CA16615473.

ClinVar aggregate classification (germline): Uncertain significance (1 of 4 stars; one submission).

Conditions:
Neurofibromatosis, type 1 (NF1). Also called: Neurofibromatosis, type I; NEUROFIBROMATOSIS, TYPE I, SOMATIC; Peripheral type neurofibromatosis; VON RECKLINGHAUSEN DISEASE. Identifiers: Orphanet 636, MedGen C0027831, MONDO:0018975, OMIM 162200. Disease mechanism: loss of function.

Submission:

Labcorp Genetics (formerly Invitae), Labcorp
Classification: Uncertain significance for Neurofibromatosis, type 1. Last evaluated: 2020-10-12. Review status: criteria provided, single submitter. Criteria: Invitae Variant Classification Sherloc (09022015). Collection method: clinical testing. Allele origin: germline.
Comment: In summary, the available evidence is currently insufficient to determine the role of this variant in disease. Therefore, it has been classified as a Variant of Uncertain Significance. This sequence change replaces serine with asparagine at codon 987 of the NF1 protein (p.Ser987Asn). The serine residue is moderately conserved and there is a small physicochemical difference between serine and asparagine. This variant is not present in population databases (ExAC no frequency). This variant has not been reported in the literature in individuals with NF1-related conditions. Algorithms developed to predict the effect of missense changes on protein structure and function are either unavailable or do not agree on the potential impact of this missense change (SIFT: "Tolerated"; PolyPhen-2: "Probably Damaging"; Align-GVGD: "Class C0").